The following is an entry in ClinVar:

NM_181507.2(HPS5):c.905G>A (p.Cys302Tyr)

Gene: HPS5 (HPS5 biogenesis of lysosomal organelles complex 2 subunit 2; minus strand). Cytogenetic location: 11p15.1.
Variant type: single nucleotide variant.
Coding change: c.905G>A on transcript NM_181507.2 (MANE Select); coding-DNA position 905, G replaced by A.
Protein change: p.Cys302Tyr; replaces cysteine 302 with tyrosine.
Molecular consequence: missense variant.
Genome position (GRCh38, 1-based): chr11:18,300,908, C>T on the plus strand (G>A on the coding strand, the complement: HPS5 is on the minus strand). VCF-style: chr11-18300908-C-T. GRCh37 (hg19) VCF-style: chr11-18322455-C-T.
Other names: c.563G>A, p.Cys188Tyr (NM_181508.2, NM_007216.4); short protein forms C188Y, C302Y.
Identifiers: ClinVar variation 1429956 (VCV001429956.9), dbSNP rs775138085, ClinGen allele CA5910283.

ClinVar aggregate classification (germline): Uncertain significance. Review status: criteria provided, multiple submitters, no conflicts (2 of 4 stars). 3 submissions from 3 submitters: Uncertain significance (3). Last evaluated 2024-04-19.

Conditions:
Inborn genetic diseases. Identifiers: MedGen C0950123, MeSH D030342.

Allele frequency attached by ClinVar (database versions not stated): gnomAD exomes 0.00001 and 0.00006; ExAC 0.00002; gnomAD 0.00002; TOPMed 0.00002.
gnomAD v4.1: 91 of 1,581,770 alleles (0.0058%); highest among the groups gnomAD compares: Non-Finnish European, 0.0076%; no homozygotes.

Submissions (3):

Women's Health and Genetics/Laboratory Corporation of America, LabCorp
Classification: Uncertain significance. Last evaluated: 2024-04-19. Review status: criteria provided, single submitter. Criteria: LabCorp Variant Classification Summary - May 2015. Collection method: clinical testing. Allele origin: germline.
Comment: Variant summary: HPS5 c.905G>A (p.Cys302Tyr) results in a non-conservative amino acid change in the encoded protein sequence. Three of four in-silico tools predict a benign effect of the variant on protein function. The variant allele was found at a frequency of 1.2e-05 in 250784 control chromosomes (gnomAD v2.1). The available data on variant occurrences in the general population are insufficient to allow any conclusion about variant significance. To our knowledge, no occurrence of c.905G>A in individuals affected with Hermansky-Pudlak Syndrome and no experimental evidence demonstrating its impact on protein function have been reported. ClinVar contains an entry for this variant (Variation ID: 1429956). Based on the evidence outlined above, the variant was classified as uncertain significance.

Labcorp Genetics (formerly Invitae), Labcorp
Classification: Uncertain significance. Last evaluated: 2024-02-24. Review status: criteria provided, single submitter. Criteria: Invitae Variant Classification Sherloc (09022015). Collection method: clinical testing. Allele origin: germline.
Comment: This sequence change replaces cysteine, which is neutral and slightly polar, with tyrosine, which is neutral and polar, at codon 302 of the HPS5 protein (p.Cys302Tyr). This variant is present in population databases (rs775138085, gnomAD 0.003%). This variant has not been reported in the literature in individuals affected with HPS5-related conditions. ClinVar contains an entry for this variant (Variation ID: 1429956). Algorithms developed to predict the effect of missense changes on protein structure and function output the following: SIFT: "Not Available"; PolyPhen-2: "Benign"; Align-GVGD: "Not Available". The tyrosine amino acid residue is found in multiple mammalian species, which suggests that this missense change does not adversely affect protein function. In summary, the available evidence is currently insufficient to determine the role of this variant in disease. Therefore, it has been classified as a Variant of Uncertain Significance.

Ambry Genetics
Classification: Uncertain significance for Inborn genetic diseases. Last evaluated: 2021-09-27. Review status: criteria provided, single submitter. Criteria: Ambry Variant Classification Scheme 2023. Collection method: clinical testing. Allele origin: germline.